The following is an entry in ClinVar:

ClinVar aggregate classification (germline): Pathogenic (1 of 4 stars; one submission).

Conditions:
Mucopolysaccharidosis, MPS-IV-A (MPS4A). Also called: Morquio syndrome A, mild; MORQUIO SYNDROME A; GALACTOSAMINE-6-SULFATASE DEFICIENCY; GALNS DEFICIENCY; MORQUIO A DISEASE; Mucopolysaccharidosis type IV A. Identifiers: Orphanet 309297, Orphanet 582, MedGen C0086651, MONDO:0009659, OMIM 253000.

Submission:

Labcorp Genetics (formerly Invitae), Labcorp
Classification: Pathogenic for Mucopolysaccharidosis, MPS-IV-A. Last evaluated: 2024-02-16. Review status: criteria provided, single submitter. Criteria: Invitae Variant Classification Sherloc (09022015). Collection method: clinical testing. Allele origin: germline.
Comment: This sequence change creates a premature translational stop signal (p.Met494Asnfs*9) in the GALNS gene. While this is not anticipated to result in nonsense mediated decay, it is expected to disrupt the last 29 amino acid(s) of the GALNS protein. This variant is not present in population databases (gnomAD no frequency). This variant has not been reported in the literature in individuals affected with GALNS-related conditions. This variant disrupts a region of the GALNS protein in which other variant(s) (p.Trp496Ser) have been determined to be pathogenic (Invitae). This suggests that this is a clinically significant region of the protein, and that variants that disrupt it are likely to be disease-causing. For these reasons, this variant has been classified as Pathogenic.

NM_000512.5(GALNS):c.1480dup (p.Met494fs)

Genes: GALNS (galactosamine (N-acetyl)-6-sulfatase; minus strand), LOC126862447 (CDK7 strongly-dependent group 2 enhancer GRCh37_chr16:88884193-88885392; plus strand). Cytogenetic location: 16q24.3.
Variant type: Duplication.
Coding change: c.1480dup on transcript NM_000512.5 (MANE Select); coding-DNA position 1480, one base duplicated (A; older notation c.1480dupA).
Protein change: p.Met494fs; shifts the reading frame from methionine 494.
Molecular consequence: frameshift variant.
Genome position (GRCh38, 1-based): chr16:88,818,009, T duplicated on the plus strand (A on the coding strand, the reverse complement: GALNS is on the minus strand). VCF-style (leftmost placement, unchanged base first): chr16-88818008-A-AT. GRCh37 (hg19) VCF-style: chr16-88884416-A-AT.
Other names: c.925dup, p.Met309fs (NM_001323543.2); c.1498dup, p.Met500fs (NM_001323544.2); short protein forms M494fs, M500fs, M309fs.
Identifiers: ClinVar variation 3700294 (VCV003700294.2).